The following is an entry in ClinVar:

ClinVar aggregate classification (germline): Uncertain significance (1 of 4 stars; one submission).

Allele frequency attached by ClinVar (database versions not stated): ExAC 0.00001; gnomAD exomes 0.00001.
gnomAD v4.1: 17 of 1,613,904 alleles (0.0011%); highest among the groups gnomAD compares: Non-Finnish European, 0.0014%; no homozygotes.

Submission:

Labcorp Genetics (formerly Invitae), Labcorp
Classification: Uncertain significance. Last evaluated: 2023-03-01. Review status: criteria provided, single submitter. Criteria: Invitae Variant Classification Sherloc (09022015). Collection method: clinical testing. Allele origin: germline.
Comment: In summary, the available evidence is currently insufficient to determine the role of this variant in disease. Therefore, it has been classified as a Variant of Uncertain Significance. Algorithms developed to predict the effect of missense changes on protein structure and function output the following: SIFT: "Not Available"; PolyPhen-2: "Benign"; Align-GVGD: "Not Available". The asparagine amino acid residue is found in multiple mammalian species, which suggests that this missense change does not adversely affect protein function. This variant has not been reported in the literature in individuals affected with IL23R-related conditions. This variant is present in population databases (rs747171538, gnomAD 0.003%). This sequence change replaces serine, which is neutral and polar, with asparagine, which is neutral and polar, at codon 619 of the IL23R protein (p.Ser619Asn).

NM_144701.3(IL23R):c.1856G>A (p.Ser619Asn)

Gene: IL23R (interleukin 23 receptor; plus strand). Cytogenetic location: 1p31.3.
Variant type: single nucleotide variant.
Coding change: c.1856G>A on transcript NM_144701.3 (MANE Select); coding-DNA position 1856, G replaced by A.
Protein change: p.Ser619Asn; replaces serine 619 with asparagine.
Molecular consequence: missense variant.
Genome position (GRCh38, 1-based): chr1:67,259,094, G>A. VCF-style: chr1-67259094-G-A. GRCh37 (hg19) VCF-style: chr1-67724777-G-A.
Other names: short protein forms S619N.
Identifiers: ClinVar variation 2903548 (VCV002903548.3), dbSNP rs747171538, ClinGen allele CA900063.